The following is an entry in ClinVar:

ClinVar aggregate classification (germline): Uncertain significance (1 of 4 stars; one submission).

Allele frequency attached by ClinVar (database versions not stated): TOPMed below 0.00001.
gnomAD v4.1: 2 of 1,608,582 alleles (0.00012%); highest among the groups gnomAD compares: Non-Finnish European, 0.00017%; no homozygotes.

Submission:

GeneDx
Classification: Uncertain significance. Last evaluated: 2022-03-18. Review status: criteria provided, single submitter. Criteria: GeneDx Variant Classification Process June 2021. Collection method: clinical testing. Allele origin: germline. Affected: yes.
Comment: Not observed at significant frequency in large population cohorts (gnomAD); In silico analysis supports that this missense variant has a deleterious effect on protein structure/function; Missense variants in this gene are often considered pathogenic (HGMD); This substitution is predicted to be within the extracellular loop between the S1 and S2 transmembrane segments of the first homologous domain; Has not been previously published as pathogenic or benign to our knowledge

NM_001040142.2(SCN2A):c.451C>G (p.Pro151Ala)

Gene: SCN2A (sodium voltage-gated channel alpha subunit 2; plus strand). Cytogenetic location: 2q24.3.
Variant type: single nucleotide variant.
Coding change: c.451C>G on transcript NM_001040142.2 (MANE Select); coding-DNA position 451, C replaced by G.
Protein change: p.Pro151Ala; replaces proline 151 with alanine.
Molecular consequence: missense variant.
Genome position (GRCh38, 1-based): chr2:165,307,912, C>G. VCF-style: chr2-165307912-C-G. GRCh37 (hg19) VCF-style: chr2-166164422-C-G.
Other names: c.451C>G, p.Pro151Ala (NM_001040143.2, NM_001371246.1, NM_001371247.1 and 1 more transcripts); short protein forms P151A.
Identifiers: ClinVar variation 1675229 (VCV001675229.2), dbSNP rs200109956, ClinGen allele CA349015364.